The following is an entry in ClinVar:

NM_198253.3(TERT):c.228C>G (p.Cys76Trp)

Genes: TERT (telomerase reverse transcriptase; minus strand), LOC110806263 (TERT 5' regulatory region; plus strand). Cytogenetic location: 5p15.33.
Variant type: single nucleotide variant.
Coding change: c.228C>G on transcript NM_198253.3 (MANE Select); coding-DNA position 228, C replaced by G.
Protein change: p.Cys76Trp; replaces cysteine 76 with tryptophan.
Molecular consequence: missense variant. On other transcripts: non-coding transcript variant (2).
Genome position (GRCh38, 1-based): chr5:1,294,658, G>C on the plus strand (C>G on the coding strand, the complement: TERT is on the minus strand). VCF-style: chr5-1294658-G-C. GRCh37 (hg19) VCF-style: chr5-1294773-G-C.
Other names: c.228C>G, p.Cys76Trp (NM_001193376.3); short protein forms C76W.
Identifiers: ClinVar variation 4783682 (VCV004783682.1).
Genomic context (GRCh38, chr5:1,294,658, plus strand): 5'-CACGTTCTTCGCGCCGCGCTCGCACAGCCTCTGCAGCACTCGGGCCACCAGCTCCTTCAG[G>C]CAGGACACCTGCGGGGGAAGCGCCCTGAGTCGCCTGCGCTGCTCTCCGCATGTCGCTGGT-3'
Protein context (NP_937983.2, residues 66-86): PAAPSFRQVS[Cys76Trp]LKELVARVLQ

ClinVar aggregate classification (germline): Uncertain significance (1 of 4 stars; one submission).

Conditions:
Dyskeratosis congenita, autosomal dominant 2. Identifiers: MedGen C3151443, MONDO:0013521, OMIM 613989.
Idiopathic Pulmonary Fibrosis. Also called: Idiopathic fibrosing alveolitis, chronic form; idiopathic fibrosing alveolitis. Identifiers: Orphanet 2032, MedGen C1800706, MeSH D054990, MONDO:0800504.

Submission:

Labcorp Genetics (formerly Invitae), Labcorp
Classification: Uncertain significance for Dyskeratosis congenita, autosomal dominant 2; Idiopathic Pulmonary Fibrosis. Last evaluated: 2025-04-19. Review status: criteria provided, single submitter. Criteria: Invitae Variant Classification Sherloc (09022015). Collection method: clinical testing. Allele origin: germline.
Comment: This sequence change replaces cysteine, which is neutral and slightly polar, with tryptophan, which is neutral and slightly polar, at codon 76 of the TERT protein (p.Cys76Trp). This variant is not present in population databases (gnomAD no frequency). This variant has not been reported in the literature in individuals affected with TERT-related conditions. Invitae Evidence Modeling of protein sequence and biophysical properties (such as structural, functional, and spatial information, amino acid conservation, physicochemical variation, residue mobility, and thermodynamic stability) indicates that this missense variant is expected to disrupt TERT protein function with a positive predictive value of 95%. In summary, the available evidence is currently insufficient to determine the role of this variant in disease. Therefore, it has been classified as a Variant of Uncertain Significance.